The following is an entry in ClinVar:

NM_004360.5(CDH1):c.81C>T (p.Pro27=)

Gene: CDH1 (cadherin 1; plus strand). Cytogenetic location: 16q22.1.
Variant type: single nucleotide variant.
Coding change: c.81C>T on transcript NM_004360.5 (MANE Select); coding-DNA position 81, C replaced by T.
Protein change: p.Pro27=; no amino-acid change (proline 27 retained).
Molecular consequence: synonymous variant. On other transcripts: 5 prime UTR variant (2).
Genome position (GRCh38, 1-based): chr16:68,738,329, C>T. VCF-style: chr16-68738329-C-T. GRCh37 (hg19) VCF-style: chr16-68772232-C-T.
Other names: c.81C>T, p.Pro27= (NM_001317184.2); c.-1535C>T (NM_001317185.2); c.-1739C>T (NM_001317186.2); c.81C>T (NM_004360.3).
Identifiers: ClinVar variation 926222 (VCV000926222.4), dbSNP rs1962457719, ClinGen allele CA496149598.

ClinVar aggregate classification (germline): Benign/Likely benign. Review status: criteria provided, multiple submitters, no conflicts (2 of 4 stars). 3 submissions from 3 submitters: Benign (1); Likely benign (2). Last evaluated 2024-09-11.

Conditions:
Hereditary cancer-predisposing syndrome. Also called: Tumor predisposition; Hereditary neoplastic syndrome; Neoplastic Syndromes, Hereditary; Hereditary Cancer Syndrome. Identifiers: Orphanet 140162, MedGen C0027672, MeSH D009386, MONDO:0015356.
Hereditary diffuse gastric adenocarcinoma (HDGC). Also called: DIFFUSE GASTRIC AND LOBULAR BREAST CANCER SYNDROME. Identifiers: Orphanet 26106, MedGen C1708349, MONDO:0007648, OMIM 137215.

Submissions (3):

Myriad Genetics, Inc.
Classification: Benign for Hereditary diffuse gastric adenocarcinoma. Last evaluated: 2024-09-11. Review status: criteria provided, single submitter. Criteria: Myriad Autosomal Dominant, Autosomal Recessive and X-Linked Classification Criteria (2023). Collection method: clinical testing. Allele origin: unknown.
Comment: This variant is considered benign. This variant is a silent/synonymous amino acid change and it is not expected to impact splicing.

Ambry Genetics
Classification: Likely benign for Hereditary cancer-predisposing syndrome. Last evaluated: 2024-03-21. Review status: criteria provided, single submitter. Criteria: Ambry Variant Classification Scheme 2023. Collection method: clinical testing. Allele origin: germline.

Color Diagnostics, LLC DBA Color Health
Classification: Likely benign for Hereditary cancer-predisposing syndrome. Last evaluated: 2018-11-05. Review status: criteria provided, single submitter. Criteria: ACMG Guidelines, 2015. Collection method: clinical testing. Allele origin: germline.